The following is an entry in ClinVar:

NM_000059.4(BRCA2):c.4399C>T (p.His1467Tyr)

Gene: BRCA2 (BRCA2 DNA repair associated; plus strand). Cytogenetic location: 13q13.1.
Variant type: single nucleotide variant.
Coding change: c.4399C>T on transcript NM_000059.4 (MANE Select); coding-DNA position 4399, C replaced by T.
Protein change: p.His1467Tyr; replaces histidine 1467 with tyrosine.
Molecular consequence: missense variant.
Genome position (GRCh38, 1-based): chr13:32,338,754, C>T. VCF-style: chr13-32338754-C-T. GRCh37 (hg19) VCF-style: chr13-32912891-C-T.
Other names: short protein forms H1467Y.
Identifiers: ClinVar variation 418878 (VCV000418878.19), dbSNP rs1064793495, ClinGen allele CA16619708.

ClinVar aggregate classification (germline): Conflicting classifications of pathogenicity. Review status: criteria provided, conflicting classifications (1 of 4 stars). 5 submissions from 5 submitters: Uncertain significance (4); Likely benign (1). Last evaluated 2025-07-16.

Conditions:
Hereditary cancer-predisposing syndrome. Also called: Hereditary neoplastic syndrome; Tumor predisposition; Neoplastic Syndromes, Hereditary; Hereditary Cancer Syndrome. Identifiers: Orphanet 140162, MedGen C0027672, MeSH D009386, MONDO:0015356.
Hereditary breast ovarian cancer syndrome. Also called: Hereditary breast and ovarian cancer; Hereditary breast and/or ovarian cancer syndrome; Hereditary breast and ovarian cancer syndrome; Hereditary breast and ovarian cancer syndrome (HBOC); Breast and ovarian cancer; BRCA1- and BRCA2-Associated Hereditary Breast and Ovarian Cancer. Identifiers: Orphanet 145, MedGen C0677776, MeSH D061325, MONDO:0003582. Disease mechanism: loss of function.

Allele frequency attached by ClinVar (database versions not stated): gnomAD exomes below 0.00001; TOPMed below 0.00001; gnomAD 0.00001.
gnomAD v4.1: 1 of 1,606,526 alleles (0.000062%); highest among the groups gnomAD compares: Non-Finnish European, 0.000085%; no homozygotes.

Submissions (5):

Labcorp Genetics (formerly Invitae), Labcorp
Classification: Uncertain significance for Hereditary breast ovarian cancer syndrome. Last evaluated: 2025-07-16. Review status: criteria provided, single submitter. Criteria: Invitae Variant Classification Sherloc (09022015). Collection method: clinical testing. Allele origin: germline.
Comment: This sequence change replaces histidine, which is basic and polar, with tyrosine, which is neutral and polar, at codon 1467 of the BRCA2 protein (p.His1467Tyr). This variant is present in population databases (no rsID available, gnomAD 0.0009%). This missense change has been observed in individual(s) with breast cancer (PMID: 30287823). ClinVar contains an entry for this variant (Variation ID: 418878). Invitae Evidence Modeling of protein sequence and biophysical properties (such as structural, functional, and spatial information, amino acid conservation, physicochemical variation, residue mobility, and thermodynamic stability) indicates that this missense variant is not expected to disrupt BRCA2 protein function with a negative predictive value of 95%. In summary, the available evidence is currently insufficient to determine the role of this variant in disease. Therefore, it has been classified as a Variant of Uncertain Significance.

University of Washington Department of Laboratory Medicine, University of Washington
Classification: Likely benign for Hereditary cancer-predisposing syndrome. Last evaluated: 2023-03-23. Review status: criteria provided, single submitter. Criteria: Dines et al. (Genet Med. 2020). Collection method: curation. Allele origin: germline.
Comment: Missense variant in a coldspot region where missense variants are very unlikely to be pathogenic (PMID:31911673).

BRCA2 exon 11 coldspot. Reclassification based on statistical prior probability.

Ambry Genetics
Classification: Uncertain significance for Hereditary cancer-predisposing syndrome. Last evaluated: 2023-01-25. Review status: criteria provided, single submitter. Criteria: Ambry Variant Classification Scheme 2023. Collection method: clinical testing. Allele origin: germline.
Comment: The p.H1467Y variant (also known as c.4399C>T), located in coding exon 10 of the BRCA2 gene, results from a C to T substitution at nucleotide position 4399. The histidine at codon 1467 is replaced by tyrosine, an amino acid with similar properties. This alteration has been reported with a carrier frequency of 0.00014 in 7051 unselected breast cancer patients and was not reported in 11241 female controls of Japanese ancestry (Momozawa Y et al. Nat Commun, 2018 10;9:4083). This alteration has also been reported with a carrier frequency of 0.00013 in 7636 unselected prostate cancer patients and 0.00024 in 12366 male controls of Japanese ancestry (Momozawa Y et al. J Natl Cancer Inst, 2020 Apr;112:369-376). This amino acid position is poorly conserved in available vertebrate species. In addition, this alteration is predicted to be tolerated by in silico analysis. Since supporting evidence is limited at this time, the clinical significance of this alteration remains unclear.

Quest Diagnostics Nichols Institute San Juan Capistrano
Classification: Uncertain significance. Last evaluated: 2019-01-17. Review status: criteria provided, single submitter. Criteria: Quest Diagnostics criteria. Collection method: clinical testing. Allele origin: germline.

GeneDx
Classification: Uncertain significance. Last evaluated: 2015-04-14. Review status: criteria provided, single submitter. Criteria: GeneDx Variant Classification (06012015). Collection method: clinical testing. Allele origin: germline. Affected: yes.
Comment: This variant is denoted BRCA2 c.4399C>T at the cDNA level, p.His1467Tyr (H1467Y) at the protein level, and results in the change of a Histidine to a Tyrosine (CAT>TAT). Using alternate nomenclature, this variant would be defined as BRCA2 4627C>T. This variant has not, to our knowledge, been published in the literature as pathogenic or benign. BRCA2 His1467Tyr was not observed in approximately 6,500 individuals of European and African American ancestry in the NHLBI Exome Sequencing Project, indicating it is not a common benign variant in these populations. Since Histidine and Tyrosine differ in polarity, charge, size or other properties, this is considered a non-conservative amino acid substitution. BRCA2 His1467Tyr occurs at a position that is not conserved across species and is located in the region of interaction with POLH and required for stimulation of POLH DNA polymerization activity (UniProt). In silico analyses predict that this variant is unlikely to alter protein structure or function. Based on currently available information, it is unclear whether BRCA2 His1467Tyr is pathogenic or benign. We consider it to be a variant of uncertain significance.

Literature cited by the submitters: PubMed 30287823 (cited by Labcorp Genetics (formerly Invitae), Labcorp and Ambry Genetics); PubMed 31214711 (cited by Ambry Genetics).